The following is an entry in ClinVar:

NM_198880.3(QRICH1):c.1630G>T (p.Asp544Tyr)

Gene: QRICH1 (glutamine rich 1; minus strand). Cytogenetic location: 3p21.31.
Variant type: single nucleotide variant.
Coding change: c.1630G>T on transcript NM_198880.3 (MANE Select); coding-DNA position 1630, G replaced by T.
Protein change: p.Asp544Tyr; replaces aspartic acid 544 with tyrosine.
Molecular consequence: missense variant.
Genome position (GRCh38, 1-based): chr3:49,046,466, C>A on the plus strand (G>T on the coding strand, the complement: QRICH1 is on the minus strand). VCF-style: chr3-49046466-C-A. GRCh37 (hg19) VCF-style: chr3-49083899-C-A.
Other names: c.1630G>T, p.Asp544Tyr (NM_001320580.2, NM_001320581.2, NM_001320582.2 and 4 more transcripts); c.1630G>T (NM_017730.3); short protein forms D544Y.
Identifiers: ClinVar variation 3428874 (VCV003428874.2).

ClinVar aggregate classification (germline): Uncertain significance. Review status: criteria provided, multiple submitters, no conflicts (2 of 4 stars). 2 submissions from 2 submitters: Uncertain significance (2). Last evaluated 2025-07-17.

Conditions:
Inborn genetic diseases. Identifiers: MedGen C0950123, MeSH D030342.

Submissions (2):

GeneDx
Classification: Uncertain significance. Last evaluated: 2025-07-17. Review status: criteria provided, single submitter. Criteria: GeneDx Variant Classification Process June 2021. Collection method: clinical testing. Allele origin: germline. Affected: yes.
Comment: Not observed at significant frequency in large population cohorts (gnomAD); In silico analysis supports that this missense variant has a deleterious effect on protein structure/function; Has not been previously published as pathogenic or benign to our knowledge; In silico analysis suggests this variant may impact gene splicing. In the absence of RNA/functional studies, the actual effect of this sequence change is unknown.

Ambry Genetics
Classification: Uncertain significance for Inborn genetic diseases. Last evaluated: 2024-10-16. Review status: criteria provided, single submitter. Criteria: Ambry Variant Classification Scheme 2023. Collection method: clinical testing. Allele origin: germline.